The following is an entry in ClinVar:

ClinVar aggregate classification (germline): Benign. Review status: criteria provided, multiple submitters, no conflicts (2 of 4 stars). 13 submissions from 9 submitters: Benign (10). 3 of the submissions do not count toward it. Last evaluated 2026-02-04.

Conditions:
Arthrogryposis, distal, type 2B3. Also called: Arthrogryposis, distal, type 2B3 (Sheldon-Hall). Identifiers: MedGen C5193098, MONDO:0032751, OMIM 618436.
Contractures, pterygia, and variable skeletal fusions syndrome 1B. Also called: CONTRACTURES, PTERYGIA, AND SPONDYLOCARPOTARSAL FUSION SYNDROME 1B. Identifiers: MedGen C5193114, MONDO:0020746, OMIM 618469.
Contractures, pterygia, and spondylocarpotarsal fusion syndrome 1A (CPSFS1A). Also called: MULTIPLE PTERYGIUM SYNDROME, AUTOSOMAL DOMINANT; Contractures, pterygia, and variable skeletal fusions syndrome 1A; Distal arthrogryposis type 8. Identifiers: Orphanet 65743, MedGen C1867440, MONDO:0008338, OMIM 178110.
Freeman-Sheldon syndrome (DA2A). Also called: WHISTLING FACE-WINDMILL VANE HAND SYNDROME; CRANIOCARPOTARSAL DYSPLASIA; CRANIOCARPOTARSAL DYSTROPHY; Arthrogryposis, distal, type 2A (Freeman-Sheldon). Identifiers: Orphanet 2053, MedGen C0265224, MONDO:0008675, OMIM 193700.
Distal arthrogryposis type 2B1 (DA2B1). Also called: Arthrogryposis multiplex congenita distal type II with craniofacial abnormalities. Identifiers: Orphanet 1147, MedGen C5193014, MONDO:0020820, OMIM 601680.

Allele frequency attached by ClinVar (database versions not stated): 1000 Genomes Project 0.46645; gnomAD 0.57145 and 0.57289; ESP Exome Variant Server 0.58196; gnomAD exomes 0.61028; TOPMed 0.54710; ExAC 0.60885; 1000 Genomes Project 30x 0.46346.
gnomAD v4.1: 1,089,225 of 1,613,558 alleles (68%); highest among the groups gnomAD compares: Non-Finnish European, 73%; 379,816 homozygotes.

Submissions (13):

Labcorp Genetics (formerly Invitae), Labcorp
Classification: Benign. Last evaluated: 2026-02-04. Review status: criteria provided, single submitter. Criteria: Invitae Variant Classification Sherloc (09022015). Collection method: clinical testing. Allele origin: germline.

Genome-Nilou Lab
Classification: Benign for Freeman-Sheldon syndrome. Last evaluated: 2021-09-05. Review status: criteria provided, single submitter. Criteria: ACMG Guidelines, 2015. Collection method: clinical testing. Allele origin: germline. Affected: no.

Genome-Nilou Lab
Classification: Benign for Arthrogryposis, distal, type 2B3. Last evaluated: 2021-09-05. Review status: criteria provided, single submitter. Criteria: ACMG Guidelines, 2015. Collection method: clinical testing. Allele origin: germline. Affected: no.

Genome-Nilou Lab
Classification: Benign for Contractures, pterygia, and spondylocarpotarsal fusion syndrome 1A. Last evaluated: 2021-09-05. Review status: criteria provided, single submitter. Criteria: ACMG Guidelines, 2015. Collection method: clinical testing. Allele origin: germline. Affected: no.

Genome-Nilou Lab
Classification: Benign for Contractures, pterygia, and variable skeletal fusions syndrome 1B. Last evaluated: 2021-09-05. Review status: criteria provided, single submitter. Criteria: ACMG Guidelines, 2015. Collection method: clinical testing. Allele origin: germline. Affected: no.

GeneDx
Classification: Benign. Last evaluated: 2019-09-05. Review status: criteria provided, single submitter. Criteria: GeneDx Variant Classification Process June 2021. Collection method: clinical testing. Allele origin: germline. Affected: yes.

Illumina Laboratory Services, Illumina
Classification: Benign for Freeman-Sheldon syndrome. Last evaluated: 2018-01-12. Review status: criteria provided, single submitter. Criteria: ICSL Variant Classification Criteria 13 December 2019. Collection method: clinical testing. Allele origin: germline.
Comment: This variant was observed in the ICSL laboratory as part of a predisposition screen in an ostensibly healthy population. It had not been previously curated by ICSL or reported in the Human Gene Mutation Database (HGMD: prior to June 1st, 2018), and was therefore a candidate for classification through an automated scoring system. Utilizing variant allele frequency, disease prevalence and penetrance estimates, and inheritance mode, an automated score was calculated to assess if this variant is too frequent to cause the disease. Based on the score and internal cut-off values, a variant classified as benign is not then subjected to further curation. The score for this variant resulted in a classification of benign for this disease.

Illumina Laboratory Services, Illumina
Classification: Benign for Distal arthrogryposis type 2B1. Last evaluated: 2018-01-12. Review status: criteria provided, single submitter. Criteria: ICSL Variant Classification Criteria 13 December 2019. Collection method: clinical testing. Allele origin: germline.
Comment: the same text as in the submission from Illumina Laboratory Services, Illumina above.

Breakthrough Genomics
Classification: Benign. Review status: criteria provided, single submitter. Criteria: ACMG Guidelines, 2015. Collection method: not provided. Allele origin: germline. Inheritance: Autosomal recessive inheritance. Affected: yes.

PreventionGenetics, part of Exact Sciences
Classification: Benign. Review status: criteria provided, single submitter. Criteria: ACMG Guidelines, 2015. Collection method: clinical testing. Allele origin: germline.

Clinical Genetics, Academic Medical Center
Classification: Benign. Review status: no assertion criteria provided. Collection method: clinical testing. Allele origin: germline. Affected: yes. Study: VKGL Data-share Consensus. Not counted in ClinVar's aggregate classification.

Diagnostic Laboratory, Department of Genetics, University Medical Center Groningen
Classification: Benign. Review status: no assertion criteria provided. Collection method: clinical testing. Allele origin: germline. Affected: yes. Study: VKGL Data-share Consensus. Not counted in ClinVar's aggregate classification.

Joint Genome Diagnostic Labs from Nijmegen and Maastricht, Radboudumc and MUMC+
Classification: Benign. Review status: no assertion criteria provided. Collection method: clinical testing. Allele origin: germline. Affected: yes. Study: VKGL Data-share Consensus. Not counted in ClinVar's aggregate classification.

NM_002470.4(MYH3):c.2926-12A>G

Gene: MYH3 (myosin heavy chain 3; minus strand). Cytogenetic location: 17p13.1.
Variant type: single nucleotide variant.
Coding change: c.2926-12A>G on transcript NM_002470.4 (MANE Select); 12 bases into the intron before coding-DNA position 2926, A replaced by G.
Molecular consequence: intron variant.
Genome position (GRCh38, 1-based): chr17:10,639,486, T>C on the plus strand (A>G on the coding strand, the complement: MYH3 is on the minus strand). VCF-style: chr17-10639486-T-C. GRCh37 (hg19) VCF-style: chr17-10542803-T-C.
Identifiers: ClinVar variation 258676 (VCV000258676.28), dbSNP rs2285473, ClinGen allele CA8392650.